The following is an entry in ClinVar:

NM_000361.3(THBD):c.1695C>T (p.His565=)

Gene: THBD (thrombomodulin; minus strand). Cytogenetic location: 20p11.21.
Variant type: single nucleotide variant.
Coding change: c.1695C>T on transcript NM_000361.3 (MANE Select); coding-DNA position 1695, C replaced by T.
Protein change: p.His565=; no amino-acid change (histidine 565 retained).
Molecular consequence: synonymous variant.
Genome position (GRCh38, 1-based): chr20:23,047,810, G>A on the plus strand (C>T on the coding strand, the complement: THBD is on the minus strand). VCF-style: chr20-23047810-G-A. GRCh37 (hg19) VCF-style: chr20-23028447-G-A.
Identifiers: ClinVar variation 3697169 (VCV003697169.3).

ClinVar aggregate classification (germline): Conflicting classifications of pathogenicity. Review status: criteria provided, conflicting classifications (1 of 4 stars). 2 submissions from 2 submitters: Uncertain significance (1); Likely benign (1). Last evaluated 2024-05-11.

gnomAD v4.1: 4 of 1,596,912 alleles (0.00025%); highest among the groups gnomAD compares: Admixed American, 0.0035%; no homozygotes.

Submissions (2):

Labcorp Genetics (formerly Invitae), Labcorp
Classification: Uncertain significance. Last evaluated: 2024-05-11. Review status: criteria provided, single submitter. Criteria: Invitae Variant Classification Sherloc (09022015). Collection method: clinical testing. Allele origin: germline.
Comment: This sequence change affects codon 565 of the THBD mRNA. It is a 'silent' change, meaning that it does not change the encoded amino acid sequence of the THBD protein. The frequency data for this variant in the population databases is considered unreliable, as metrics indicate poor data quality at this position in the gnomAD database. This variant has not been reported in the literature in individuals affected with THBD-related conditions. In summary, the available evidence is currently insufficient to determine the role of this variant in disease. Therefore, it has been classified as a Variant of Uncertain Significance.

Blueprint Genetics
Classification: Likely benign. Last evaluated: 2019-11-01. Review status: criteria provided, single submitter. Criteria: ACMG Guidelines, 2015. Collection method: clinical testing. Allele origin: germline.